The following is an entry in ClinVar:

ClinVar aggregate classification (germline): Likely benign (0 of 4 stars; one submission).

Conditions:
HIVEP3-related disorder. Also called: HIVEP3-related condition.

Allele frequency attached by ClinVar (database versions not stated): ESP Exome Variant Server 0.00008; TOPMed 0.00025; 1000 Genomes Project 30x 0.00031; 1000 Genomes Project 0.00040; ExAC 0.00044.

Submission:

PreventionGenetics, part of Exact Sciences
Classification: Likely benign for HIVEP3-related condition. Last evaluated: 2019-08-07. Review status: no assertion criteria provided. Collection method: clinical testing. Allele origin: germline.
Comment: This variant is classified as likely benign based on ACMG/AMP sequence variant interpretation guidelines (Richards et al. 2015 PMID: 25741868, with internal and published modifications).

NM_024503.5(HIVEP3):c.2239C>T (p.Arg747Trp)

Gene: HIVEP3 (HIVEP zinc finger 3; minus strand). Cytogenetic location: 1p34.2.
Variant type: single nucleotide variant.
Coding change: c.2239C>T on transcript NM_024503.5 (MANE Select); coding-DNA position 2239, C replaced by T.
Protein change: p.Arg747Trp; replaces arginine 747 with tryptophan.
Molecular consequence: missense variant.
Genome position (GRCh38, 1-based): chr1:41,582,559, G>A on the plus strand (C>T on the coding strand, the complement: HIVEP3 is on the minus strand). VCF-style: chr1-41582559-G-A. GRCh37 (hg19) VCF-style: chr1-42048230-G-A.
Other names: c.2239C>T, p.Arg747Trp (NM_001127714.3); short protein forms R747W.
Identifiers: ClinVar variation 3055760 (VCV003055760.2), dbSNP rs147423695, ClinGen allele CA798083.